The following is an entry in ClinVar:

NM_025193.4(HSD3B7):c.1090G>A (p.Ala364Thr)

Gene: HSD3B7 (hydroxy-delta-5-steroid dehydrogenase, 3 beta- and steroid delta-isomerase 7; plus strand). Cytogenetic location: 16p11.2.
Variant type: single nucleotide variant.
Coding change: c.1090G>A on transcript NM_025193.4 (MANE Select); coding-DNA position 1090, G replaced by A.
Protein change: p.Ala364Thr; replaces alanine 364 with threonine.
Molecular consequence: missense variant. On other transcripts: 3 prime UTR variant (2).
Genome position (GRCh38, 1-based): chr16:30,988,163, G>A. VCF-style: chr16-30988163-G-A. GRCh37 (hg19) VCF-style: chr16-30999484-G-A.
Other names: c.*336G>A (NM_001142777.2, NM_001142778.2); c.1090G>A (NM_025193.3); short protein forms A364T.
Identifiers: ClinVar variation 502741 (VCV000502741.8), dbSNP rs141997902, ClinGen allele CA8018179.

ClinVar aggregate classification (germline): Uncertain significance. Review status: criteria provided, multiple submitters, no conflicts (2 of 4 stars). 3 submissions from 3 submitters: Uncertain significance (3). Last evaluated 2026-08-17.

Conditions:
HSD3B7-related disorder. Also called: HSD3B7-related condition.

Allele frequency attached by ClinVar (database versions not stated): 1000 Genomes Project 30x 0.00016; 1000 Genomes Project 0.00020; gnomAD 0.00052 and 0.00054; TOPMed 0.00054; ExAC 0.00077; ESP Exome Variant Server 0.00085.
gnomAD v4.1: 1,437 of 1,602,460 alleles (0.09%); highest among the groups gnomAD compares: Non-Finnish European, 0.11%; 1 homozygote.

Submissions (3):

PreventionGenetics, part of Exact Sciences
Classification: Uncertain significance for HSD3B7-related condition. Last evaluated: 2026-08-17. Review status: criteria provided, single submitter. Criteria: ACMG Guidelines, 2015. Collection method: clinical testing. Allele origin: germline.
Comment: The HSD3B7 c.1090G>A variant is predicted to result in the amino acid substitution p.Ala364Thr. To our knowledge, this variant has not been reported in the literature. This variant is reported in 0.087% of alleles in individuals of European (Non-Finnish) descent in gnomAD. Although we suspect that this variant may be benign, at this time, the clinical significance of this variant is uncertain due to the absence of conclusive functional and genetic evidence.

Labcorp Genetics (formerly Invitae), Labcorp
Classification: Uncertain significance. Last evaluated: 2022-07-19. Review status: criteria provided, single submitter. Criteria: Invitae Variant Classification Sherloc (09022015). Collection method: clinical testing. Allele origin: germline.
Comment: This sequence change replaces alanine, which is neutral and non-polar, with threonine, which is neutral and polar, at codon 364 of the HSD3B7 protein (p.Ala364Thr). This variant is present in population databases (rs141997902, gnomAD 0.09%), and has an allele count higher than expected for a pathogenic variant. This variant has not been reported in the literature in individuals affected with HSD3B7-related conditions. ClinVar contains an entry for this variant (Variation ID: 502741). Algorithms developed to predict the effect of missense changes on protein structure and function output the following: SIFT: "Tolerated"; PolyPhen-2: "Benign"; Align-GVGD: "Class C0". The threonine amino acid residue is found in multiple mammalian species, which suggests that this missense change does not adversely affect protein function. In summary, the available evidence is currently insufficient to determine the role of this variant in disease. Therefore, it has been classified as a Variant of Uncertain Significance.

Eurofins Ntd Llc (ga)
Classification: Uncertain significance. Last evaluated: 2018-01-09. Review status: criteria provided, single submitter. Criteria: EGL Classification Definitions 2015. Collection method: clinical testing. Allele origin: germline. Observed: 3 variant alleles, 3 heterozygotes.